The following is an entry in ClinVar:

ClinVar aggregate classification (germline): Uncertain significance (1 of 4 stars; one submission).

Submission:

Labcorp Genetics (formerly Invitae), Labcorp
Classification: Uncertain significance. Last evaluated: 2022-02-08. Review status: criteria provided, single submitter. Criteria: Invitae Variant Classification Sherloc (09022015). Collection method: clinical testing. Allele origin: germline.
Comment: In summary, the available evidence is currently insufficient to determine the role of this variant in disease. Therefore, it has been classified as a Variant of Uncertain Significance. This variant has not been reported in the literature in individuals affected with TIMP3-related conditions. This variant results in a copy number gain of the genomic region encompassing exon(s) 1 of the TIMP3 gene. This region includes the initiator codon of the gene. This copy number gain extends beyond the assayed region for this gene and therefore may encompass additional genes. As the precise location of this event is unknown, it may be in tandem or it may be located elsewhere in the genome.

NC_000022.10:g.(?_33197988)_(33198128_?)dup

Genes: SYN3 (synapsin III; minus strand), TIMP3 (TIMP metallopeptidase inhibitor 3; plus strand). Cytogenetic location: 22q12.3.
Variant type: Duplication.
Identifiers: ClinVar variation 1022393 (VCV001022393.6).